The following is an entry in ClinVar:

NM_001375905.1(SGMS2):c.1090T>A (p.Ser364Thr)

Genes: CYP2U1-AS1 (CYP2U1 and SGMS2 antisense RNA 1; minus strand), SGMS2 (sphingomyelin synthase 2; plus strand). Cytogenetic location: 4q25.
Variant type: single nucleotide variant.
Coding change: c.1090T>A on transcript NM_001375905.1 (MANE Select); coding-DNA position 1090, T replaced by A.
Protein change: p.Ser364Thr; replaces serine 364 with threonine.
Molecular consequence: missense variant. On other transcripts: 3 prime UTR variant (1).
Genome position (GRCh38, 1-based): chr4:107,910,545, T>A. VCF-style: chr4-107910545-T-A. GRCh37 (hg19) VCF-style: chr4-108831701-T-A.
Other names: c.1090T>A (NM_152621.5); c.1090T>A, p.Ser364Thr (NM_001375906.1, NM_001375907.1, NM_001375908.1 and 3 more transcripts); c.*194T>A (NM_001375910.1); c.571T>A, p.Ser191Thr (NM_001375911.1); short protein forms S364T, S191T.
Identifiers: ClinVar variation 3706763 (VCV003706763.3).

ClinVar aggregate classification (germline): Uncertain significance. Review status: criteria provided, multiple submitters, no conflicts (2 of 4 stars). 2 submissions from 2 submitters: Uncertain significance (2). Last evaluated 2025-12-21.

Conditions:
Inborn genetic diseases. Identifiers: MedGen C0950123, MeSH D030342.

Submissions (2):

Labcorp Genetics (formerly Invitae), Labcorp
Classification: Uncertain significance. Last evaluated: 2025-12-21. Review status: criteria provided, single submitter. Criteria: Invitae Variant Classification Sherloc (09022015). Collection method: clinical testing. Allele origin: germline.
Comment: This sequence change replaces serine, which is neutral and polar, with threonine, which is neutral and polar, at codon 364 of the SGMS2 protein (p.Ser364Thr). This variant is present in population databases (rs563586546, gnomAD 0.003%). This variant has not been reported in the literature in individuals affected with SGMS2-related conditions. ClinVar contains an entry for this variant (Variation ID: 3706763). An algorithm developed to predict the effect of missense changes on protein structure and function (PolyPhen-2) suggests that this variant is likely to be tolerated. In summary, the available evidence is currently insufficient to determine the role of this variant in disease. Therefore, it has been classified as a Variant of Uncertain Significance.

Ambry Genetics
Classification: Uncertain significance for Inborn genetic diseases. Last evaluated: 2025-08-01. Review status: criteria provided, single submitter. Criteria: Ambry Variant Classification Scheme 2023. Collection method: clinical testing. Allele origin: germline.